The following is an entry in ClinVar:

NM_020547.3(AMHR2):c.1141-3C>T

Gene: AMHR2 (anti-Mullerian hormone receptor type 2; plus strand). Cytogenetic location: 12q13.13.
Variant type: single nucleotide variant.
Coding change: c.1141-3C>T on transcript NM_020547.3 (MANE Select); 3 bases into the intron before coding-DNA position 1141, C replaced by T.
Molecular consequence: intron variant.
Genome position (GRCh38, 1-based): chr12:53,429,828, C>T. VCF-style: chr12-53429828-C-T. GRCh37 (hg19) VCF-style: chr12-53823612-C-T.
Other names: c.1141-3C>T (NM_001164690.2); c.1140+203C>T (NM_001164691.2).
Identifiers: ClinVar variation 2858455 (VCV002858455.5), dbSNP rs143500484, ClinGen allele CA6600542.

ClinVar aggregate classification (germline): Likely benign. Review status: criteria provided, multiple submitters, no conflicts (2 of 4 stars). 2 submissions from 2 submitters: Likely benign (2). Last evaluated 2026-02-23.

Conditions:
AMHR2-related disorder. Also called: AMHR2-related condition.

Allele frequency attached by ClinVar (database versions not stated): ExAC 0.00063; 1000 Genomes Project 0.00160; 1000 Genomes Project 30x 0.00172; gnomAD 0.00173; TOPMed 0.00199; ESP Exome Variant Server 0.00246.
gnomAD v4.1: 535 of 1,614,166 alleles (0.033%); highest among the groups gnomAD compares: African/African-American, 0.6%; no homozygotes.

Submissions (3):

PreventionGenetics, part of Exact Sciences
Classification: Likely benign for AMHR2-related condition. Last evaluated: 2026-02-23. Review status: criteria provided, single submitter. Criteria: ACMG Guidelines, 2015. Collection method: clinical testing. Allele origin: germline.
Comment: This variant is classified as likely benign based on ACMG/AMP sequence variant interpretation guidelines (Richards et al. 2015 PMID: 25741868, with internal and published modifications).

Labcorp Genetics (formerly Invitae), Labcorp
Classification: Likely benign. Last evaluated: 2025-02-03. Review status: criteria provided, single submitter. Criteria: Invitae Variant Classification Sherloc (09022015). Collection method: clinical testing. Allele origin: germline.

Dr. Peter K. Rogan Lab, Western University
No classification provided (evidence only). Condition: Adrenocortical carcinoma, hereditary. Review status: no classification provided. Collection method: in vitro. Allele origin: not applicable. Functional consequence: retained intron. Not counted in ClinVar's aggregate classification.